The following is an entry in ClinVar:

NM_001042492.3(NF1):c.8296_8300del (p.Leu2766fs)

Gene: NF1 (neurofibromin 1; plus strand). Cytogenetic location: 17q11.2.
Variant type: Microsatellite.
Coding change: c.8296_8300del on transcript NM_001042492.3 (MANE Select); coding-DNA positions 8296 to 8300, 5 bases deleted (CTGCA; older notation c.8296_8300delCTGCA).
Protein change: p.Leu2766fs; shifts the reading frame from leucine 2766.
Molecular consequence: frameshift variant.
Genome position (GRCh38, 1-based): chr17:31,360,622-31,360,626, CTGCA deleted; deleting any 5 consecutive bases within chr17:31,360,617-31,360,626 gives the same sequence; the c. name uses the placement nearest the transcript's 3' end. VCF-style (leftmost placement, unchanged base first): chr17-31360616-CCTGCA-C. GRCh37 (hg19) VCF-style: chr17-29687634-CCTGCA-C.
Other names: c.8233_8237del, p.Leu2745fs (NM_000267.4); short protein forms L2745fs, L2766fs.
Identifiers: ClinVar variation 4727193 (VCV004727193.1).

ClinVar aggregate classification (germline): Pathogenic (1 of 4 stars; one submission).

Conditions:
Neurofibromatosis, type 1 (NF1). Also called: NEUROFIBROMATOSIS, TYPE I, SOMATIC; VON RECKLINGHAUSEN DISEASE; Peripheral type neurofibromatosis; Neurofibromatosis, type I. Identifiers: Orphanet 636, MedGen C0027831, MONDO:0018975, OMIM 162200. Disease mechanism: loss of function.

Submission:

Labcorp Genetics (formerly Invitae), Labcorp
Classification: Pathogenic for Neurofibromatosis, type 1. Last evaluated: 2025-09-15. Review status: criteria provided, single submitter. Criteria: Invitae Variant Classification Sherloc (09022015). Collection method: clinical testing. Allele origin: germline.
Comment: This sequence change creates a premature translational stop signal (p.Leu2745Glufs*4) in the NF1 gene. It is expected to result in an absent or disrupted protein product. Loss-of-function variants in NF1 are known to be pathogenic (PMID: 10712197, 23913538). This variant is not present in population databases (gnomAD no frequency). This variant has not been reported in the literature in individuals affected with NF1-related conditions. For these reasons, this variant has been classified as Pathogenic.

Literature cited by the submitters: PubMed 10712197; PubMed 23913538.